The following is an entry in ClinVar:

NM_000218.3(KCNQ1):c.1394-18613T>G

Genes: KCNQ1 (potassium voltage-gated channel subfamily Q member 1; plus strand), KCNQ1OT1 (KCNQ1 opposite strand/antisense transcript 1; minus strand). Cytogenetic location: 11p15.5.
Variant type: single nucleotide variant.
Coding change: c.1394-18613T>G on transcript NM_000218.3 (MANE Select); 18613 bases into the intron before coding-DNA position 1394, T replaced by G.
Molecular consequence: intron variant. On other transcripts: non-coding transcript variant (1).
Genome position (GRCh38, 1-based): chr11:2,643,348, T>G. VCF-style: chr11-2643348-T-G. GRCh37 (hg19) VCF-style: chr11-2664578-T-G.
Other names: c.1124-18613T>G (NM_001406837.1); c.1298-18613T>G (NM_001406836.1); c.854-18613T>G (NM_001406838.1); c.1013-18613T>G (NM_181798.2).
Identifiers: ClinVar variation 4822363 (VCV004822363.4).

ClinVar aggregate classification (germline): Benign (1 of 4 stars; one submission).

gnomAD v4.1: 16 of 398,416 alleles (0.004%); highest among the groups gnomAD compares: South Asian, 0.15%; no homozygotes.

Submission:

CeGaT Center for Human Genetics Tuebingen
Classification: Benign. Last evaluated: 2026-02-01. Review status: criteria provided, single submitter. Criteria: CeGaT Center For Human Genetics Tuebingen Variant Classification Criteria Version 2. Collection method: clinical testing. Allele origin: germline. Affected: yes. Observed: 1 variant allele.
Comment: KCNQ1OT1: BS1, BS2